The following is an entry in ClinVar:

NM_000059.4(BRCA2):c.7883T>C (p.Ile2628Thr)

Gene: BRCA2 (BRCA2 DNA repair associated; plus strand). Cytogenetic location: 13q13.1.
Variant type: single nucleotide variant.
Coding change: c.7883T>C on transcript NM_000059.4 (MANE Select); coding-DNA position 7883, T replaced by C.
Protein change: p.Ile2628Thr; replaces isoleucine 2628 with threonine.
Molecular consequence: missense variant.
Genome position (GRCh38, 1-based): chr13:32,362,600, T>C. VCF-style: chr13-32362600-T-C. GRCh37 (hg19) VCF-style: chr13-32936737-T-C.
Other names: 8111T>C; short protein forms I2628T.
Identifiers: ClinVar variation 252849 (VCV000252849.25), dbSNP rs879255465, ClinGen allele CA10586080.
Genomic context (GRCh38, chr13:32,362,600, plus strand): 5'-CAGGTGTGGATCCAAAGCTTATTTCTAGAATTTGGGTTTATAATCACTATAGATGGATCA[T>C]ATGGAAACTGGCAGCTATGGAATGTGCCTTTCCTAAGGAATTTGCTAATAGATGCCTAAG-3'
Protein context (NP_000050.3, residues 2618-2638): IWVYNHYRWI[Ile2628Thr]WKLAAMECAF

ClinVar aggregate classification (germline): Conflicting classifications of pathogenicity. Review status: criteria provided, conflicting classifications (1 of 4 stars). 8 submissions from 8 submitters: Uncertain significance (5); Likely benign (2). 1 of the submissions does not count toward it. Last evaluated 2025-01-02.

Conditions:
Hereditary cancer-predisposing syndrome. Also called: Neoplastic Syndromes, Hereditary; Tumor predisposition; Hereditary neoplastic syndrome; Hereditary Cancer Syndrome. Identifiers: Orphanet 140162, MedGen C0027672, MeSH D009386, MONDO:0015356.
Hereditary breast ovarian cancer syndrome. Also called: Hereditary breast and/or ovarian cancer syndrome; Hereditary breast and ovarian cancer; Hereditary breast and ovarian cancer syndrome; Hereditary breast and ovarian cancer syndrome (HBOC); Breast and ovarian cancer; BRCA1- and BRCA2-Associated Hereditary Breast and Ovarian Cancer. Identifiers: Orphanet 145, MedGen C0677776, MeSH D061325, MONDO:0003582. Disease mechanism: loss of function.
Breast-ovarian cancer, familial, susceptibility to, 2 (BROVCA2). Also called: BRCA2 Hereditary Breast and Ovarian Cancer. Identifiers: Orphanet 145, MedGen C2675520, MONDO:0012933, OMIM 612555. Disease mechanism: loss of function.

Allele frequency attached by ClinVar (database versions not stated): gnomAD exomes below 0.00001; TOPMed 0.00001.
gnomAD v4.1: 3 of 1,614,206 alleles (0.00019%); highest among the groups gnomAD compares: Non-Finnish European, 0.00025%; no homozygotes.

Submissions (8):

Labcorp Genetics (formerly Invitae), Labcorp
Classification: Uncertain significance for Hereditary breast ovarian cancer syndrome. Last evaluated: 2025-01-02. Review status: criteria provided, single submitter. Criteria: Invitae Variant Classification Sherloc (09022015). Collection method: clinical testing. Allele origin: germline.
Comment: This sequence change replaces isoleucine, which is neutral and non-polar, with threonine, which is neutral and polar, at codon 2628 of the BRCA2 protein (p.Ile2628Thr). This variant is not present in population databases (gnomAD no frequency). This variant has not been reported in the literature in individuals affected with BRCA2-related conditions. ClinVar contains an entry for this variant (Variation ID: 252849). Invitae Evidence Modeling of protein sequence and biophysical properties (such as structural, functional, and spatial information, amino acid conservation, physicochemical variation, residue mobility, and thermodynamic stability) indicates that this missense variant is not expected to disrupt BRCA2 protein function with a negative predictive value of 95%. In summary, the available evidence is currently insufficient to determine the role of this variant in disease. Therefore, it has been classified as a Variant of Uncertain Significance.

Quest Diagnostics Nichols Institute San Juan Capistrano
Classification: Uncertain significance. Last evaluated: 2024-11-08. Review status: criteria provided, single submitter. Criteria: Quest Diagnostics criteria. Collection method: clinical testing. Allele origin: unknown.
Comment: The BRCA2 c.7883T>C (p.Ile2628Thr) variant has been reported in the published literature in an individual with breast cancer in a large scale breast cancer association study (PMID: 33471991 (2021), see also LOVD), and described to be located in a region of the BRCA2 gene that is tolerant to missense sequence changes (PMID: 31911673 (2020)). This variant has not been reported in large, multi-ethnic general populations (Genome Aggregation Database). Analysis of this variant using bioinformatics tools for the prediction of the effect of amino acid changes on protein structure and function yielded conflicting predictions that this variant is benign or damaging. Based on the available information, we are unable to determine the clinical significance of this variant.

Myriad Genetics, Inc.
Classification: Likely benign for Breast-ovarian cancer, familial, susceptibility to, 2. Last evaluated: 2024-02-07. Review status: criteria provided, single submitter. Criteria: Myriad Autosomal Dominant, Autosomal Recessive and X-Linked Classification Criteria (2023). Collection method: clinical testing. Allele origin: unknown.
Comment: This variant is considered likely benign. This variant is strongly associated with less severe personal and family histories of cancer, typical for individuals without pathogenic variants in this gene [PMID: 25085752].

Color Diagnostics, LLC DBA Color Health
Classification: Uncertain significance for Hereditary cancer-predisposing syndrome. Last evaluated: 2023-11-13. Review status: criteria provided, single submitter. Criteria: ACMG Guidelines, 2015. Collection method: clinical testing. Allele origin: germline.
Comment: This missense variant replaces isoleucine with threonine at codon 2628 of the BRCA2 protein. Computational prediction is inconclusive regarding the impact of this variant on protein structure and function (internally defined REVEL score threshold 0.5 < inconclusive < 0.7, PMID: 27666373). To our knowledge, functional studies have not been reported for this variant. This variant has been reported in an individual affected with breast cancer (PMID: 33471991; Leiden Open Variation Database DB-ID BRCA2_008630) and in a multifactorial analysis with segregation and tumor pathology likelihood ratios for pathogenicity of 1.8088 and 1.1236, respectively (PMID: 31131967). This variant has not been identified in the general population by the Genome Aggregation Database (gnomAD). The available evidence is insufficient to determine the role of this variant in disease conclusively. Therefore, this variant is classified as a Variant of Uncertain Significance.

Blueprint Genetics
Classification: Uncertain significance. Last evaluated: 2023-08-22. Review status: criteria provided, single submitter. Criteria: ACMG Guidelines, 2015. Collection method: clinical testing. Allele origin: germline.

Ambry Genetics
Classification: Likely benign for Hereditary cancer-predisposing syndrome. Last evaluated: 2022-01-05. Review status: criteria provided, single submitter. Criteria: Ambry Variant Classification Scheme 2023. Collection method: clinical testing. Allele origin: germline.

GeneDx
Classification: Uncertain significance. Last evaluated: 2016-05-03. Review status: criteria provided, single submitter. Criteria: GeneDx Variant Classification (06012015). Collection method: clinical testing. Allele origin: germline. Affected: yes.
Comment: This variant is denoted BRCA2 c.7883T>C at the cDNA level, p.Ile2628Thr (I2628T) at the protein level, and results in the change of an Isoleucine to a Threonine (ATA>ACA). Using alternate nomenclature, this variant would be defined as BRCA2 8111T>C. This variant has not, to our knowledge, been published in the literature as pathogenic or benign. BRCA2 Ile2628Thr was not observed in approximately 6,500 individuals of European and African American ancestry in the NHLBI Exome Sequencing Project, suggesting it is not a common benign variant in these populations. Since Isoleucine and Threonine differ in polarity, charge, size or other properties, this is considered a non-conservative amino acid substitution. BRCA2 Ile2628Thr occurs at a position where amino acids with properties similar to Isoleucine are tolerated across species and is located in the DNA binding domain as well as a region known to interact with SHFM1 (Marston 1999, Yang 2002) . In silico analyses predict that this variant is probably damaging to protein structure and function. Based on currently available evidence, it is unclear whether BRCA2 Ile2628Thr is a pathogenic or benign variant. We consider it to be a variant of uncertain significance.

Sharing Clinical Reports Project (SCRP)
Classification: Uncertain significance for Breast-ovarian cancer, familial 2. Last evaluated: 2014-01-08. Review status: no assertion criteria provided. Collection method: clinical testing. Allele origin: germline. Not counted in ClinVar's aggregate classification.

Literature cited by the submitters: PubMed 33471991 (cited by Quest Diagnostics Nichols Institute San Juan Capistrano and Color Diagnostics, LLC DBA Color Health); PubMed 31131967 (cited by Quest Diagnostics Nichols Institute San Juan Capistrano and Color Diagnostics, LLC DBA Color Health); PubMed 25085752 (cited by Myriad Genetics, Inc.).